The following is an entry in ClinVar:

ClinVar aggregate classification (germline): Uncertain significance (1 of 4 stars; one submission).

Submission:

Labcorp Genetics (formerly Invitae), Labcorp
Classification: Uncertain significance. Last evaluated: 2023-03-30. Review status: criteria provided, single submitter. Criteria: Invitae Variant Classification Sherloc (09022015). Collection method: clinical testing. Allele origin: germline.
Comment: This sequence change replaces proline, which is neutral and non-polar, with alanine, which is neutral and non-polar, at codon 783 of the SCN3A protein (p.Pro783Ala). This variant is not present in population databases (gnomAD no frequency). This variant has not been reported in the literature in individuals affected with SCN3A-related conditions. Advanced modeling of protein sequence and biophysical properties (such as structural, functional, and spatial information, amino acid conservation, physicochemical variation, residue mobility, and thermodynamic stability) performed at Invitae indicates that this missense variant is not expected to disrupt SCN3A protein function. In summary, the available evidence is currently insufficient to determine the role of this variant in disease. Therefore, it has been classified as a Variant of Uncertain Significance.

NM_006922.4(SCN3A):c.2347C>G (p.Pro783Ala)

Gene: SCN3A (sodium voltage-gated channel alpha subunit 3; minus strand). Cytogenetic location: 2q24.3.
Variant type: single nucleotide variant.
Coding change: c.2347C>G on transcript NM_006922.4 (MANE Select); coding-DNA position 2347, C replaced by G.
Protein change: p.Pro783Ala; replaces proline 783 with alanine.
Molecular consequence: missense variant.
Genome position (GRCh38, 1-based): chr2:165,137,923, G>C on the plus strand (C>G on the coding strand, the complement: SCN3A is on the minus strand). VCF-style: chr2-165137923-G-C. GRCh37 (hg19) VCF-style: chr2-165994433-G-C.
Other names: c.2200C>G, p.Pro734Ala (NM_001081676.2, NM_001081677.2); short protein forms P783A, P734A.
Identifiers: ClinVar variation 2851056 (VCV002851056.3), dbSNP rs1574190407, ClinGen allele CA349045035.